The following is an entry in ClinVar:

ClinVar aggregate classification (germline): Uncertain significance (1 of 4 stars; one submission).

Conditions:
Pheochromocytoma. Also called: MAX-Related Hereditary Paraganglioma-Pheochromocytoma Syndrome. Identifiers: Orphanet 29072, MedGen C0031511, MONDO:0008233, OMIM 171300, HP:0002666.
Paragangliomas with sensorineural hearing loss. Identifiers: MedGen C1868633.
Cowden syndrome 3 (CWS3). Identifiers: Orphanet 201, MedGen CN166604, MONDO:0014045.
Carney-Stratakis syndrome. Also called: PARAGANGLIOMA AND GASTROINTESTINAL STROMAL TUMOR. Identifiers: Orphanet 97286, MedGen C1847319, MONDO:0011740, OMIM 606864.

Submission:

Labcorp Genetics (formerly Invitae), Labcorp
Classification: Uncertain significance for Carney-Stratakis syndrome; Paragangliomas with sensorineural hearing loss; Pheochromocytoma; Cowden syndrome 3. Last evaluated: 2023-01-16. Review status: criteria provided, single submitter. Criteria: Invitae Variant Classification Sherloc (09022015). Collection method: clinical testing. Allele origin: germline.
Comment: This variant is not present in population databases (gnomAD no frequency). This sequence change disrupts the translational stop signal of the SDHD mRNA. It is expected to extend the length of the SDHD protein by 3 additional amino acid residues. This variant has not been reported in the literature in individuals affected with SDHD-related conditions. In summary, the available evidence is currently insufficient to determine the role of this variant in disease. Therefore, it has been classified as a Variant of Uncertain Significance. Experimental studies and prediction algorithms are not available or were not evaluated, and the functional significance of this variant is currently unknown.

NM_003002.4(SDHD):c.478T>G (p.Ter160Gly)

Gene: SDHD (succinate dehydrogenase complex subunit D; plus strand). Cytogenetic location: 11q23.1.
Variant type: single nucleotide variant.
Coding change: c.478T>G on transcript NM_003002.4 (MANE Select); coding-DNA position 478, T replaced by G.
Protein change: p.Ter160Gly.
Molecular consequence: stop lost. On other transcripts: 3 prime UTR variant (2), non-coding transcript variant (1).
Genome position (GRCh38, 1-based): chr11:112,094,968, T>G. VCF-style: chr11-112094968-T-G. GRCh37 (hg19) VCF-style: chr11-111965692-T-G.
Other names: c.*75T>G (NM_001276503.2); c.361T>G, p.Ter121Gly (NM_001276504.2); c.*176T>G (NM_001276506.2).
Identifiers: ClinVar variation 2943283 (VCV002943283.3), dbSNP rs1555187655, ClinGen allele CA382619603.